The following is an entry in ClinVar:

NM_014363.6(SACS):c.4405G>C (p.Glu1469Gln)

Gene: SACS (sacsin molecular chaperone; minus strand). Cytogenetic location: 13q12.12.
Variant type: single nucleotide variant.
Coding change: c.4405G>C on transcript NM_014363.6 (MANE Select); coding-DNA position 4405, G replaced by C.
Protein change: p.Glu1469Gln; replaces glutamic acid 1469 with glutamine.
Molecular consequence: missense variant.
Genome position (GRCh38, 1-based): chr13:23,339,471, C>G on the plus strand (G>C on the coding strand, the complement: SACS is on the minus strand). VCF-style: chr13-23339471-C-G. GRCh37 (hg19) VCF-style: chr13-23913610-C-G.
Other names: c.3964G>C, p.Glu1322Gln (NM_001278055.2); short protein forms E1322Q, E1469Q.
Identifiers: ClinVar variation 3571683 (VCV003571683.1).

ClinVar aggregate classification (germline): Uncertain significance (1 of 4 stars; one submission).

Submission:

Athena Diagnostics
Classification: Uncertain significance. Last evaluated: 2024-09-16. Review status: criteria provided, single submitter. Criteria: Athena Diagnostics Criteria. Collection method: clinical testing. Allele origin: unknown.
Comment: Available data are insufficient to determine the clinical significance of the variant at this time. This variant has not been reported in large, multi-ethnic general populations. Polyphen and MutationTaster yielded discordant predictions regarding whether this amino acid change is damaging to the protein.